The following is an entry in ClinVar:

ClinVar aggregate classification (germline): Conflicting classifications of pathogenicity. Review status: criteria provided, conflicting classifications (1 of 4 stars). 3 submissions from 3 submitters: Uncertain significance (1); Likely benign (2). Last evaluated 2025-08-27.

Conditions:
Inborn genetic diseases. Identifiers: MedGen C0950123, MeSH D030342.

Allele frequency attached by ClinVar (database versions not stated): gnomAD 0.00002 and 0.00005; gnomAD exomes 0.00005 and 0.00009; ExAC 0.00007.
gnomAD v4.1: 76 of 1,610,296 alleles (0.0047%); highest among the groups gnomAD compares: South Asian, 0.071%; no homozygotes.

Submissions (3):

Labcorp Genetics (formerly Invitae), Labcorp
Classification: Likely benign. Last evaluated: 2025-08-27. Review status: criteria provided, single submitter. Criteria: Invitae Variant Classification Sherloc (09022015). Collection method: clinical testing. Allele origin: germline.

Ambry Genetics
Classification: Uncertain significance for Inborn genetic diseases. Last evaluated: 2025-07-28. Review status: criteria provided, single submitter. Criteria: Ambry Variant Classification Scheme 2023. Collection method: clinical testing. Allele origin: germline.

CeGaT Center for Human Genetics Tuebingen
Classification: Likely benign. Last evaluated: 2023-10-01. Review status: criteria provided, single submitter. Criteria: CeGaT Center For Human Genetics Tuebingen Variant Classification Criteria Version 2. Collection method: clinical testing. Allele origin: germline. Affected: yes. Observed: 1 variant allele.
Comment: PNPT1: BP4

NM_033109.5(PNPT1):c.1562A>C (p.Lys521Thr)

Gene: PNPT1 (polyribonucleotide nucleotidyltransferase 1; minus strand). Cytogenetic location: 2p16.1.
Variant type: single nucleotide variant.
Coding change: c.1562A>C on transcript NM_033109.5 (MANE Select); coding-DNA position 1562, A replaced by C.
Protein change: p.Lys521Thr; replaces lysine 521 with threonine.
Molecular consequence: missense variant.
Genome position (GRCh38, 1-based): chr2:55,647,387, T>G on the plus strand (A>C on the coding strand, the complement: PNPT1 is on the minus strand). VCF-style: chr2-55647387-T-G. GRCh37 (hg19) VCF-style: chr2-55874522-T-G.
Other names: c.1562A>C (NM_033109.3); short protein forms K521T.
Identifiers: ClinVar variation 1628476 (VCV001628476.34), dbSNP rs746676928, ClinGen allele CA1668031.